The following is an entry in ClinVar:

ClinVar aggregate classification (germline): Uncertain significance (1 of 4 stars; one submission).

gnomAD v4.1: 4 of 1,614,092 alleles (0.00025%); highest among the groups gnomAD compares: Non-Finnish European, 0.00034%; no homozygotes.

Submission:

Ambry Genetics
Classification: Uncertain significance. Last evaluated: 2023-11-11. Review status: criteria provided, single submitter. Criteria: Ambry Variant Classification Scheme 2023. Collection method: clinical testing. Allele origin: germline.
Comment: The p.S659A variant (also known as c.1975T>G), located in coding exon 13 of the NPAT gene, results from a T to G substitution at nucleotide position 1975. The serine at codon 659 is replaced by alanine, an amino acid with similar properties. This amino acid position is conserved. In addition, this alteration is predicted to be tolerated by in silico analysis. Since supporting evidence is limited at this time, the clinical significance of this alteration remains unclear.

NM_002519.3(NPAT):c.1975T>G (p.Ser659Ala)

Gene: NPAT (nuclear protein, coactivator of histone transcription; minus strand). Cytogenetic location: 11q22.3.
Variant type: single nucleotide variant.
Coding change: c.1975T>G on transcript NM_002519.3 (MANE Select); coding-DNA position 1975, T replaced by G.
Protein change: p.Ser659Ala; replaces serine 659 with alanine.
Molecular consequence: missense variant.
Genome position (GRCh38, 1-based): chr11:108,173,009, A>C on the plus strand (T>G on the coding strand, the complement: NPAT is on the minus strand). VCF-style: chr11-108173009-A-C. GRCh37 (hg19) VCF-style: chr11-108043736-A-C.
Other names: c.1975T>G, p.Ser659Ala (NM_001321307.1); short protein forms S659A.
Identifiers: ClinVar variation 3222504 (VCV003222504.1), dbSNP rs2496719212, ClinGen allele CA382513946.
Genomic context (GRCh38, chr11:108,173,009, plus strand): 5'-TTCCACCTAAAGAGAGAAAAATAGTATTCTCTTCTTTTACAGAAGATGAAGGCTCCTGTG[A>C]ATTCTCAGACTTGGATGCCTGAGCTTCATTTTCTGTATGATTTAACTCAACAGATGCTGA-3'
Protein context (NP_002510.2, residues 649-669): NEAQASKSEN[Ser659Ala]QEPSSSVKEE